The following is an entry in ClinVar:

NM_213607.3(DNAAF19):c.359A>G (p.Tyr120Cys)

Gene: DNAAF19 (dynein axonemal assembly factor 19; plus strand). Cytogenetic location: 17q21.31.
Variant type: single nucleotide variant.
Coding change: c.359A>G on transcript NM_213607.3 (MANE Select); coding-DNA position 359, A replaced by G.
Protein change: p.Tyr120Cys; replaces tyrosine 120 with cysteine.
Molecular consequence: missense variant. On other transcripts: 3 prime UTR variant (3).
Genome position (GRCh38, 1-based): chr17:44,902,447, A>G. VCF-style: chr17-44902447-A-G. GRCh37 (hg19) VCF-style: chr17-42979815-A-G.
Other names: c.359A>G, p.Tyr120Cys (NM_001258395.2, NM_001258396.2); c.*109A>G (NM_001258397.3); c.*48A>G (NM_001258398.3, NM_001258399.2); short protein forms Y120C.
Identifiers: ClinVar variation 242264 (VCV000242264.15), dbSNP rs149858795, ClinGen allele CA8608362.

ClinVar aggregate classification (germline): Uncertain significance. Review status: criteria provided, multiple submitters, no conflicts (2 of 4 stars). 3 submissions from 3 submitters: Uncertain significance (3). Last evaluated 2023-03-13.

Conditions:
Primary ciliary dyskinesia. Also called: Ciliary dyskinesia. Identifiers: Orphanet 244, MedGen C0008780, MONDO:0016575, HP:0012265.
Primary ciliary dyskinesia 17. Also called: CILIARY DYSKINESIA, PRIMARY, 17, WITH OR WITHOUT SITUS INVERSUS. Identifiers: Orphanet 244, MedGen C3542550, MONDO:0013854, OMIM 614679.

Allele frequency attached by ClinVar (database versions not stated): gnomAD 0.00009; TOPMed 0.00012; ESP Exome Variant Server 0.00015.
gnomAD v4.1: 227 of 1,614,098 alleles (0.014%); highest among the groups gnomAD compares: Non-Finnish European, 0.018%; no homozygotes.

Submissions (3):

Ambry Genetics
Classification: Uncertain significance for Primary ciliary dyskinesia. Last evaluated: 2023-03-13. Review status: criteria provided, single submitter. Criteria: Ambry Variant Classification Scheme 2023. Collection method: clinical testing. Allele origin: germline.
Comment: The p.Y120C variant (also known as c.359A>G), located in coding exon 3 of the CCDC103 gene, results from an A to G substitution at nucleotide position 359. The tyrosine at codon 120 is replaced by cysteine, an amino acid with highly dissimilar properties. This amino acid position is highly conserved in available vertebrate species. In addition, this alteration is predicted to be deleterious by in silico analysis. Since supporting evidence is limited at this time, the clinical significance of this alteration remains unclear.

Labcorp Genetics (formerly Invitae), Labcorp
Classification: Uncertain significance for Primary ciliary dyskinesia. Last evaluated: 2022-10-17. Review status: criteria provided, single submitter. Criteria: Invitae Variant Classification Sherloc (09022015). Collection method: clinical testing. Allele origin: germline.
Comment: This sequence change replaces tyrosine, which is neutral and polar, with cysteine, which is neutral and slightly polar, at codon 120 of the CCDC103 protein (p.Tyr120Cys). This variant is present in population databases (rs149858795, gnomAD 0.02%). This variant has not been reported in the literature in individuals affected with CCDC103-related conditions. ClinVar contains an entry for this variant (Variation ID: 242264). Algorithms developed to predict the effect of missense changes on protein structure and function are either unavailable or do not agree on the potential impact of this missense change (SIFT: "Deleterious"; PolyPhen-2: "Probably Damaging"; Align-GVGD: "Class C0"). In summary, the available evidence is currently insufficient to determine the role of this variant in disease. Therefore, it has been classified as a Variant of Uncertain Significance.

Mayo Clinic Laboratories, Mayo Clinic
Classification: Uncertain significance for Primary ciliary dyskinesia 17. Last evaluated: 2016-06-23. Review status: criteria provided, single submitter. Criteria: ACMG Guidelines, 2015. Collection method: clinical testing. Allele origin: maternal.